The following is an entry in ClinVar:

ClinVar aggregate classification (germline): Uncertain significance (1 of 4 stars; one submission).

Submission:

Dasa
Classification: Uncertain significance. Last evaluated: 2026-05-21. Review status: criteria provided, single submitter. Criteria: DASA Assertion Criteria. Collection method: clinical testing. Allele origin: germline.
Comment: NM_001283009.2(RTEL1):c.3865C>T (p.Gln1289*) is a nonsense variant in RTEL1 predicted to introduce a premature termination codon. This variant is rare in population databases. The currently available literature and clinical evidence are not sufficient to establish a definitive association between this variant and the reported condition. Therefore, this variant is classified as a variant of uncertain significance.

NM_001283009.2(RTEL1):c.3865C>T (p.Gln1289Ter)

Genes: RTEL1 (regulator of telomere elongation helicase 1; plus strand), RTEL1-TNFRSF6B (RTEL1-TNFRSF6B readthrough (NMD candidate); plus strand). Cytogenetic location: 20q13.33.
Variant type: single nucleotide variant.
Coding change: c.3865C>T on transcript NM_001283009.2 (MANE Select); coding-DNA position 3865, C replaced by T.
Protein change: p.Gln1289Ter; replaces glutamine 1289 with a stop codon.
Molecular consequence: nonsense. On other transcripts: non-coding transcript variant (1), 3 prime UTR variant (3).
Genome position (GRCh38, 1-based): chr20:63,695,820, C>T. VCF-style: chr20-63695820-C-T. GRCh37 (hg19) VCF-style: chr20-62327173-C-T.
Other names: c.*35C>T (NM_001283010.1, NM_016434.4, NM_032957.5); short protein forms Q1289*.
Identifiers: ClinVar variation 5020514 (VCV005020514.1).